The following is an entry in ClinVar:

NM_001276345.2(TNNT2):c.418C>T (p.Arg140Cys)

Gene: TNNT2 (troponin T2, cardiac type; minus strand). Cytogenetic location: 1q32.1.
Variant type: single nucleotide variant.
Coding change: c.418C>T on transcript NM_001276345.2 (MANE Select); coding-DNA position 418, C replaced by T.
Protein change: p.Arg140Cys; replaces arginine 140 with cysteine.
Molecular consequence: missense variant.
Genome position (GRCh38, 1-based): chr1:201,364,369, G>A on the plus strand (C>T on the coding strand, the complement: TNNT2 is on the minus strand). VCF-style: chr1-201364369-G-A. GRCh37 (hg19) VCF-style: chr1-201333497-G-A.
Other names: p.R130C:CGT>TGT; c.418C>T, p.Arg140Cys (NM_000364.4); c.388C>T, p.Arg130Cys (NM_001001430.3, NM_001001431.3, NM_001276347.2); c.373C>T, p.Arg125Cys (NM_001001432.3); c.298C>T, p.Arg100Cys (NM_001276346.2); short protein forms R130C, R140C, R125C, R100C.
Identifiers: ClinVar variation 43636 (VCV000043636.49), dbSNP rs397516463, ClinGen allele CA004443.

ClinVar aggregate classification (germline): Pathogenic/Likely pathogenic. Review status: criteria provided, multiple submitters, no conflicts (2 of 4 stars). 20 submissions from 18 submitters: Pathogenic (12); Likely pathogenic (7). 1 of the submissions does not count toward it. Last evaluated 2026-07-27.

Conditions:
TNNT2-related disorder. Also called: TNNT2-related condition.
Cardiovascular phenotype. Identifiers: MedGen CN230736.
Cardiomyopathy (CMYO). Also called: Cardiomyopathies. Identifiers: Orphanet 167848, MedGen C0878544, MONDO:0004994, HP:0001638. Inheritance: Various modes of inheritance.
Hypertrophic cardiomyopathy 2. Also called: TNNT2-Related Familial Hypertrophic Cardiomyopathy. Identifiers: MedGen C1861864, MONDO:0007266, OMIM 115195.
Cardiomyopathy, familial restrictive, 3. Identifiers: Orphanet 75249, MedGen C2676271, MONDO:0012900, OMIM 612422.
Dilated cardiomyopathy 1D. Identifiers: Orphanet 154, Orphanet 54260, MedGen C1832243, MONDO:0011095, OMIM 601494.
Primary familial hypertrophic cardiomyopathy (HCM). Identifiers: Orphanet 99739, MedGen C0949658, MeSH D024741, MONDO:0024573. Inheritance: Various modes of inheritance.
Hypertrophic cardiomyopathy. Also called: HYPERTROPHIC MYOCARDIOPATHY. Identifiers: Orphanet 217569, MedGen C0007194, MeSH D002312, MONDO:0005045, HP:0001639.

Allele frequency attached by ClinVar (database versions not stated): gnomAD exomes below 0.00001; TOPMed 0.00002; gnomAD 0.00001.
gnomAD v4.1: 5 of 1,612,504 alleles (0.00031%); highest among the groups gnomAD compares: African/African-American, 0.0027%; no homozygotes.

Submissions 1 to 9 of 20:

Ambry Genetics
Classification: Likely pathogenic for Cardiovascular phenotype. Last evaluated: 2026-07-27. Review status: criteria provided, single submitter. Criteria: Ambry Variant Classification Scheme 2023. Collection method: clinical testing. Allele origin: germline.
Comment: The p.R130C variant (also known as c.388C>T), located in coding exon 9 of the TNNT2 gene, results from a C to T substitution at nucleotide position 388. The arginine at codon 130 is replaced by cysteine, an amino acid with highly dissimilar properties. This variant was reported in individual(s) with features consistent with hypertrophic cardiomyopathy (HCM) (Song L et al. Clin Chim Acta, 2005 Jan;351:209-16; Fujita E et al. Heart Vessels, 2013 Nov;28:785-94; Zou Y et al. Mol Biol Rep, 2013 Jun;40:3969-76; Murphy SL et al. J Cardiovasc Transl Res, 2016 Apr;9:153-61; Walsh R et al. Genet Med, 2017 Feb;19:192-203; Weissler-Snir A et al. Circ Cardiovasc Imaging, 2017 Feb;10:[ePub ahead of print]; Seki S et al. J Arrhythm, 2018 Dec;34:643-646; Rucinski C et al. Mol Genet Genomic Med, 2022 Nov;10:e2046; Cava F et al. Front Cardiovasc Med, 2023 Apr;10:1112759; Earle NJ et al. Circ Heart Fail, 2024 Mar;17:e010970). In vitro studies suggest this TNNT2 p.R130C alteration may impact calcium sensitivity (Harada K, J. Biol. Chem. 2004 Apr; 279(15):14488-95). This amino acid position is highly conserved in available vertebrate species. In addition, this alteration is predicted to be deleterious by in silico analysis. Based on the majority of available evidence to date, this variant is likely to be pathogenic.

Women's Health and Genetics/Laboratory Corporation of America, LabCorp
Classification: Pathogenic for Primary familial hypertrophic cardiomyopathy. Last evaluated: 2026-04-13. Review status: criteria provided, single submitter. Criteria: LabCorp Variant Classification Summary - May 2015. Collection method: clinical testing. Allele origin: germline.
Comment: Variant summary: TNNT2 c.388C>T (p.Arg130Cys) results in a non-conservative amino acid change in the encoded protein sequence. Algorithms developed to predict the effect of missense changes on protein structure and function all suggest that this variant is likely to be disruptive. The frequency data for this variant in gnomAD is considered unreliable, as metrics indicate poor data quality at this position. c.388C>T has been observed in multiple individuals affected with Hypertrophic Cardiomyopathy (e.g. Koga_1996, Song_2005, Chida_2017) and has been reported to segregate with disease in at least one family. These data indicate that the variant is very likely to be associated with disease. At least one publication reports experimental evidence evaluating an impact on protein function and found the variant resulted in increased basal and maximal ATPase activity along with increased calcium sensitivity (Gangadharan_2017). The following publications have been ascertained in the context of this evaluation (PMID: 27885498, 28973951, 8951566, 15563892). ClinVar contains an entry for this variant (Variation ID: 43636). Based on the evidence outlined above, the variant was classified as pathogenic.

Molecular Diagnostic Laboratory for Inherited Cardiovascular Disease, Montreal Heart Institute
Classification: Pathogenic for Cardiovascular phenotype. Last evaluated: 2026-02-18. Review status: criteria provided, single submitter. Criteria: ACMG Guidelines, 2015. Collection method: clinical testing. Allele origin: germline. Affected: yes.

Labcorp Genetics (formerly Invitae), Labcorp
Classification: Pathogenic for Cardiomyopathy, familial restrictive, 3; Hypertrophic cardiomyopathy 2; Dilated cardiomyopathy 1D. Last evaluated: 2026-01-10. Review status: criteria provided, single submitter. Criteria: Invitae Variant Classification Sherloc (09022015). Collection method: clinical testing. Allele origin: germline.
Comment: This sequence change replaces arginine, which is basic and polar, with cysteine, which is neutral and slightly polar, at codon 130 of the TNNT2 protein (p.Arg130Cys). This variant is not present in population databases (gnomAD no frequency). This missense change has been observed in individuals with hypertrophic cardiomyopathy (PMID: 14636924, 15563892, 17456375, 23283745, 23494605, 25524337). This variant is also known as p.Arg140Cys. ClinVar contains an entry for this variant (Variation ID: 43636). An algorithm developed specifically for the TNNT2 gene suggests that this missense change is likely to be deleterious (PMID: 21310275). For these reasons, this variant has been classified as Pathogenic.

3billion
Classification: Likely pathogenic for Dilated cardiomyopathy 1D. Last evaluated: 2025-02-26. Review status: criteria provided, single submitter. Criteria: ACMG Guidelines, 2015. Collection method: clinical testing. Allele origin: germline. Affected: yes.
Comment: The variant is observed at an extremely low frequency in the gnomAD v4.1.0 dataset (total allele frequency: <0.001%). Predicted Consequence/Location: Missense variant In silico tool predictions suggest damaging effect of the variant on gene or gene product [REVEL: 0.87 (>=0.6, sensitivity 0.68 and specificity 0.92); 3Cnet: 0.99 (> 0.75, sensitivity 0.96 and precision 0.92)]. The same nucleotide change resulting in the same amino acid change has been previously reported as pathogenic/likely pathogenic with strong evidence (ClinVar ID: VCV000043636 /PMID: 15563892). Therefore, this variant is classified as Likely pathogenic according to the recommendation of ACMG/AMP guideline.

Laboratory of Genetics, Children's Clinical University Hospital Latvia
Classification: Pathogenic. Last evaluated: 2025-02-16. Review status: criteria provided, single submitter. Criteria: ACMG Guidelines, 2015. Collection method: clinical testing. Allele origin: germline. Affected: yes.

Victorian Clinical Genetics Services, Murdoch Childrens Research Institute
Classification: Pathogenic for Hypertrophic cardiomyopathy 2. Last evaluated: 2024-11-26. Review status: criteria provided, single submitter. Criteria: ACMG Guidelines, 2015. Collection method: clinical testing. Allele origin: germline. Affected: yes.
Comment: This variant is classified as Pathogenic. Evidence in support of pathogenic classification: Variant is present in gnomAD <0.001 for a dominant condition (v4: 5 heterozygote(s), 0 homozygote(s)); This variant has strong previous evidence of pathogenicity in unrelated individuals. The variant has previously been reported in multiple individuals and families with hypertrophic cardiomyopathy 2 (ClinVar, PMIDs: 15563892, 25524337, 28973951); Missense variant consistently predicted to be damaging by in silico tool or highly conserved with a major amino acid change. Additional information: Variant is predicted to result in a missense amino acid change from arginine to cysteine; This variant is heterozygous; This gene is associated with autosomal dominant disease; An alternative amino acid change at the same position has been observed in gnomAD (v4) (9 heterozygotes, 0 homozygotes); Variant is located in the annotated troponin domain (DECIPHER); The mechanism of disease for this gene is not clearly established. Functional studies have suggested loss-of-function, gain-of-function and dominant-negative mechanisms based on calcium sensitivity, contractibility and mouse models (PMIDs: 18612386, 32098556, 33025817); Variants in this gene are known to have variable expressivity, e.g., the variant, p.(Arg92Gln), has been reported to cause both DCM and HCM, even within the same family (PMID: 26507537); Inheritance information for this variant is not currently available in this individual.

GeneDx
Classification: Pathogenic. Last evaluated: 2024-11-12. Review status: criteria provided, single submitter. Criteria: GeneDx Variant Classification Process June 2021. Collection method: clinical testing. Allele origin: germline. Affected: yes.
Comment: Published functional studies demonstrate a damaging effect with this variant altering the contractile properties of cardiac fibers (PMID: 14722098); Not observed at significant frequency in large population cohorts (gnomAD); In silico analysis supports that this missense variant has a deleterious effect on protein structure/function; This variant is associated with the following publications: (PMID: 23283745, 24474197, 28420666, 23074333, 25524337, 26914223, 27532257, 28973951, 17456375, 15563892, 14636924, 30393638, 18533079, 21310275, 8951566, 30555609, 23494605, 34929444, 14722098, 33025817, 37089884, 28193612, 37652022, 36204818, 32690703, 32581830)

Blueprint Genetics
Classification: Pathogenic for TNNT2-related disorders. Last evaluated: 2024-11-04. Review status: criteria provided, single submitter. Criteria: ACMG Guidelines, 2015. Collection method: clinical testing. Allele origin: germline. Affected: yes. Observed: 5 variant alleles.